The following is an entry in ClinVar:

ClinVar aggregate classification (germline): Uncertain significance (1 of 4 stars; one submission).

Submission:

GeneDx
Classification: Uncertain significance. Last evaluated: 2022-11-22. Review status: criteria provided, single submitter. Criteria: GeneDx Variant Classification Process June 2021. Collection method: clinical testing. Allele origin: germline. Affected: yes.
Comment: In-frame deletion of 2 amino acids in a non-repeat region; Not observed at significant frequency in large population cohorts (gnomAD); In silico analysis supports that this variant does not alter protein structure/function; Has not been previously published as pathogenic or benign to our knowledge

NM_138927.4(SON):c.1773_1778del (p.Gly592_Ala593del)

Gene: SON (SON DNA and RNA binding protein; plus strand). Cytogenetic location: 21q22.11.
Variant type: Deletion.
Coding change: c.1773_1778del on transcript NM_138927.4 (MANE Select); coding-DNA positions 1773 to 1778, 6 bases deleted (TGGGGC; older notation c.1773_1778delTGGGGC).
Protein change: p.Gly592_Ala593del.
Molecular consequence: inframe deletion. On other transcripts: inframe indel (3), non-coding transcript variant (1), intron variant (1).
Genome position (GRCh38, 1-based): chr21:33,551,004-33,551,009, TGGGGC deleted; deleting any 6 consecutive bases within chr21:33,551,003-33,551,009 gives the same sequence; the c. name uses the placement nearest the transcript's 3' end. VCF-style (leftmost placement, unchanged base first): chr21-33551002-ACTGGGG-A. GRCh37 (hg19) VCF-style: chr21-34923308-ACTGGGG-A.
Other names: c.1773_1778del, p.Gly592_Ala593del (NM_001291411.2, NM_032195.3); c.1773_1778delTGGGGC, p.Gly592_Ala593del (NM_001412133.1, NM_058183.2, NM_138926.1); c.244+4625_244+4630del (NM_001291412.3).
Identifiers: ClinVar variation 2502462 (VCV002502462.1), dbSNP rs2517357527, ClinGen allele CA2580616375.